The following is an entry in ClinVar:

ClinVar aggregate classification (germline): Likely benign (1 of 4 stars; one submission).

Conditions:
ZFYVE19-related disorder. Also called: ZFYVE19-related condition.

Submission:

PreventionGenetics, part of Exact Sciences
Classification: Likely benign for ZFYVE19-related condition. Last evaluated: 2026-01-06. Review status: criteria provided, single submitter. Criteria: ACMG Guidelines, 2015. Collection method: clinical testing. Allele origin: germline.
Comment: This variant is classified as likely benign based on ACMG/AMP sequence variant interpretation guidelines (Richards et al. 2015 PMID: 25741868, with internal and published modifications).

NM_001077268.2(ZFYVE19):c.952GAG[1] (p.Glu319del)

Gene: ZFYVE19 (zinc finger FYVE-type containing 19; plus strand). Cytogenetic location: 15q15.1.
Variant type: Microsatellite.
Coding change: c.952GAG[1] on transcript NM_001077268.2 (MANE Select); one copy of the 3-base unit GAG starting at c.952; the reference has two copies in a row; one copy, 3 bases deleted.
Protein change: p.Glu319del; deletes glutamic acid 319.
Molecular consequence: inframe deletion. On other transcripts: intron variant (1).
Genome position (GRCh38, 1-based): chr15:40,812,827-40,812,829, GAG deleted; deleting any 3 consecutive bases within chr15:40,812,823-40,812,829 gives the same sequence; the position shown is the placement nearest the transcript's 3' end. VCF-style (leftmost placement, unchanged base first): chr15-40812822-GGGA-G. GRCh37 (hg19) VCF-style: chr15-41105020-GGGA-G.
Other names: c.427GAG[1], p.Glu144del (NM_001258421.2); c.922GAG[1], p.Glu309del (NM_032850.5); c.827-511_827-509del (NM_001258420.2); short protein forms E309del, E144del, E319del.
Identifiers: ClinVar variation 4998614 (VCV004998614.1).